The following is an entry in ClinVar:

NM_001161352.2(KCNMA1):c.3196G>A (p.Gly1066Arg)

Genes: KCNMA1 (potassium calcium-activated channel subfamily M alpha 1; minus strand), KCNMA1-AS1 (KCNMA1 antisense RNA 1; plus strand). Cytogenetic location: 10q22.3.
Variant type: single nucleotide variant.
Coding change: c.3196G>A on transcript NM_001161352.2 (MANE Select); coding-DNA position 3196, G replaced by A.
Protein change: p.Gly1066Arg; replaces glycine 1066 with arginine.
Molecular consequence: missense variant.
Genome position (GRCh38, 1-based): chr10:76,891,671, C>T on the plus strand (G>A on the coding strand, the complement: KCNMA1 is on the minus strand). VCF-style: chr10-76891671-C-T. GRCh37 (hg19) VCF-style: chr10-78651429-C-T.
Other names: c.3034G>A, p.Gly1012Arg (NM_001014797.3); c.3145G>A, p.Gly1049Arg (NM_001161353.2); c.2872G>A, p.Gly958Arg (NM_001271518.2); c.3112G>A, p.Gly1038Arg (NM_001271519.2); c.3031G>A, p.Gly1011Arg (NM_001322829.2, NM_001322836.2); c.3124G>A, p.Gly1042Arg (NM_001322830.2); c.3022G>A, p.Gly1008Arg (NM_001322832.2, NM_001410940.1, NM_002247.4); c.3115G>A, p.Gly1039Arg (NM_001322835.2, NM_001322837.2); and 3 more; short protein forms G1008R, G1011R, G1012R, G1037R, G1038R, G1039R, G1042R, G1049R.
Identifiers: ClinVar variation 4292373 (VCV004292373.1).

ClinVar aggregate classification (germline): Uncertain significance (1 of 4 stars; one submission).

Conditions:
Liang-Wang syndrome. Identifiers: Orphanet 664438, MedGen C5231479, MONDO:0032886, OMIM 618729.

Submission:

3billion
Classification: Uncertain significance for Liang-Wang syndrome. Last evaluated: 2024-10-11. Review status: criteria provided, single submitter. Criteria: ACMG Guidelines, 2015. Collection method: clinical testing. Allele origin: germline. Affected: yes.
Comment: The variant is not observed in the gnomAD v4.1.0 dataset. Predicted Consequence/Location: Missense variant In silico tool predictions suggest damaging effect of the variant on gene or gene product [REVEL: 0.81 (>=0.6, sensitivity 0.68 and specificity 0.92); 3Cnet: 0.92 (>=0.6, sensitivity 0.72 and precision 0.9)]. Therefore, this variant is classified as VUS according to the recommendation of ACMG/AMP guideline.